The following is an entry in ClinVar:

NM_000256.3(MYBPC3):c.672G>T (p.Leu224=)

Gene: MYBPC3 (myosin binding protein C3; minus strand). Cytogenetic location: 11p11.2.
Variant type: single nucleotide variant.
Coding change: c.672G>T on transcript NM_000256.3 (MANE Select); coding-DNA position 672, G replaced by T.
Protein change: p.Leu224=; no amino-acid change (leucine 224 retained).
Molecular consequence: synonymous variant.
Genome position (GRCh38, 1-based): chr11:47,348,524, C>A on the plus strand (G>T on the coding strand, the complement: MYBPC3 is on the minus strand). VCF-style: chr11-47348524-C-A. GRCh37 (hg19) VCF-style: chr11-47370075-C-A.
Identifiers: ClinVar variation 1126974 (VCV001126974.10), dbSNP rs1035118341, ClinGen allele CA221704900.
Genomic context (GRCh38, chr11:47,348,524, plus strand): 5'-CTTGGTGGACACCTCACAGCGGTAGCTGCCAGTGAAGGCAGGCTGGGCATCGGTGATGTG[C>A]AGCTCGAACAGATAGACCTGTGTGCATGGAGGGACGGGGCGTCAGGGGACACCAGGGGCC-3'
Protein context (NP_000247.2, residues 214-234): DRASKVYLFE[Leu224=]HITDAQPAFT

ClinVar aggregate classification (germline): Likely benign. Review status: criteria provided, multiple submitters, no conflicts (2 of 4 stars). 3 submissions from 3 submitters: Likely benign (3). Last evaluated 2025-04-28.

Conditions:
Cardiomyopathy (CMYO). Also called: Cardiomyopathies. Identifiers: Orphanet 167848, MedGen C0878544, MONDO:0004994, HP:0001638. Inheritance: Various modes of inheritance.
Hypertrophic cardiomyopathy. Also called: HYPERTROPHIC MYOCARDIOPATHY. Identifiers: Orphanet 217569, MedGen C0007194, MeSH D002312, MONDO:0005045, HP:0001639.

Allele frequency attached by ClinVar (database versions not stated): TOPMed below 0.00001.
gnomAD v4.1: 5 of 1,612,504 alleles (0.00031%); highest among the groups gnomAD compares: Non-Finnish European, 0.00042%; no homozygotes.

Submissions (3):

Labcorp Genetics (formerly Invitae), Labcorp
Classification: Likely benign for Hypertrophic cardiomyopathy. Last evaluated: 2025-04-28. Review status: criteria provided, single submitter. Criteria: Invitae Variant Classification Sherloc (09022015). Collection method: clinical testing. Allele origin: germline.

All of Us Research Program, National Institutes of Health
Classification: Likely benign for Hypertrophic cardiomyopathy. Last evaluated: 2023-06-08. Review status: criteria provided, single submitter. Criteria: ACMG Guidelines, 2015. Collection method: clinical testing. Allele origin: germline. Inheritance: Autosomal dominant inheritance. Observed: 2 variant alleles, 2 heterozygotes.
Comment: This study involves interpretation of variants in research participants for the purpose of population health screening. Participant phenotype was not available at the time of variant classification. Additional details can be found in publication PMID: 35346344, PMCID: PMC8962531

Color Diagnostics, LLC DBA Color Health
Classification: Likely benign for Cardiomyopathy. Last evaluated: 2022-11-06. Review status: criteria provided, single submitter. Criteria: ACMG Guidelines, 2015. Collection method: clinical testing. Allele origin: germline.